The following is an entry in ClinVar:

NM_000843.4(GRM6):c.2125-3C>T

Genes: GRM6 (glutamate metabotropic receptor 6; minus strand), ZNF454 (zinc finger protein 454; plus strand). Cytogenetic location: 5q35.3.
Variant type: single nucleotide variant.
Coding change: c.2125-3C>T on transcript NM_000843.4 (MANE Select); 3 bases into the intron before coding-DNA position 2125, C replaced by T.
Molecular consequence: intron variant.
Genome position (GRCh38, 1-based): chr5:178,983,224, G>A on the plus strand (C>T on the coding strand, the complement: GRM6 is on the minus strand). VCF-style: chr5-178983224-G-A. GRCh37 (hg19) VCF-style: chr5-178410225-G-A.
Identifiers: ClinVar variation 1933193 (VCV001933193.5), dbSNP rs950356800, ClinGen allele CA133017678.

ClinVar aggregate classification (germline): Uncertain significance (1 of 4 stars; one submission).

Allele frequency attached by ClinVar (database versions not stated): gnomAD exomes below 0.00001; TOPMed 0.00001.
gnomAD v4.1: 2 of 1,609,990 alleles (0.00012%); highest among the groups gnomAD compares: Non-Finnish European, 0.000085%; no homozygotes.

Submission:

Labcorp Genetics (formerly Invitae), Labcorp
Classification: Uncertain significance. Last evaluated: 2022-06-18. Review status: criteria provided, single submitter. Criteria: Invitae Variant Classification Sherloc (09022015). Collection method: clinical testing. Allele origin: germline.
Comment: In summary, the available evidence is currently insufficient to determine the role of this variant in disease. Therefore, it has been classified as a Variant of Uncertain Significance. Variants that disrupt the consensus splice site are a relatively common cause of aberrant splicing (PMID: 17576681, 9536098). Algorithms developed to predict the effect of sequence changes on RNA splicing suggest that this variant is not likely to affect RNA splicing. This variant has not been reported in the literature in individuals affected with GRM6-related conditions. This variant is not present in population databases (gnomAD no frequency). This sequence change falls in intron 8 of the GRM6 gene. It does not directly change the encoded amino acid sequence of the GRM6 protein. It affects a nucleotide within the consensus splice site.

Literature cited by the submitters: PubMed 17576681; PubMed 9536098.